The following is an entry in ClinVar:

NM_002769.5(PRSS1):c.579_580delinsAT (p.Asp194Tyr)

Genes: TRB (T cell receptor beta locus; plus strand), PRSS1 (serine protease 1; plus strand). Cytogenetic location: 7q34.
Variant type: Indel.
Coding change: c.579_580delinsAT on transcript NM_002769.5 (MANE Select); coding-DNA positions 579 to 580, GG replaced by AT.
Protein change: p.Asp194Tyr; replaces aspartic acid 194 with tyrosine.
Molecular consequence: missense variant. On other transcripts: non-coding transcript variant (5).
Genome position (GRCh38, 1-based): chr7:142,752,555-142,752,556, GG replaced by AT. VCF-style: chr7-142752555-GG-AT. GRCh37 (hg19) VCF-style: chr7-142460406-GG-AT.
Other names: short protein forms D194Y.
Identifiers: ClinVar variation 3426331 (VCV003426331.1).

ClinVar aggregate classification (germline): Uncertain significance (1 of 4 stars; one submission).

Conditions:
Hereditary pancreatitis (PCTT). Also called: Hereditary chronic pancreatitis; PRSS1-Related Hereditary Pancreatitis. Identifiers: Orphanet 676, MedGen C0238339, MONDO:0008185, OMIM 167800.

Submission:

Ambry Genetics
Classification: Uncertain significance for Hereditary pancreatitis. Last evaluated: 2024-10-07. Review status: criteria provided, single submitter. Criteria: Ambry Variant Classification Scheme 2023. Collection method: clinical testing. Allele origin: germline.
Comment: The c.579_580delGGinsAT variant, located in coding exon 4 of the PRSS1 gene, results from an in-frame deletion of GG and insertion of AT at nucleotide positions 579 to 580. This results in the substitution of the aspartic acid residue for a tyrosine residue at codon 194, an amino acid with highly dissimilar properties. This amino acid position is highly conserved in available vertebrate species. In addition, this alteration is predicted to be deleterious by in silico analysis (Choi Y et al. PLoS ONE. 2012; 7(10):e46688). Based on the available evidence, the clinical significance of this variant remains unclear.